The following is an entry in ClinVar:

ClinVar aggregate classification (germline): Uncertain significance (1 of 4 stars; one submission).

Allele frequency attached by ClinVar (database versions not stated): gnomAD exomes below 0.00001; ExAC 0.00016.
gnomAD v4.1: 2 of 1,446,592 alleles (0.00014%); highest among the groups gnomAD compares: Admixed American, 0.0056%; no homozygotes.

Submission:

Labcorp Genetics (formerly Invitae), Labcorp
Classification: Uncertain significance. Last evaluated: 2024-01-22. Review status: criteria provided, single submitter. Criteria: Invitae Variant Classification Sherloc (09022015). Collection method: clinical testing. Allele origin: germline.
Comment: This sequence change replaces arginine, which is basic and polar, with cysteine, which is neutral and slightly polar, at codon 23 of the NDUFAF6 protein (p.Arg23Cys). The frequency data for this variant in the population databases is considered unreliable, as metrics indicate poor data quality at this position in the gnomAD database. This variant has not been reported in the literature in individuals affected with NDUFAF6-related conditions. ClinVar contains an entry for this variant (Variation ID: 2081868). Algorithms developed to predict the effect of missense changes on protein structure and function output the following: SIFT: "Not Available"; PolyPhen-2: "Benign"; Align-GVGD: "Not Available". The cysteine amino acid residue is found in multiple mammalian species, which suggests that this missense change does not adversely affect protein function. In summary, the available evidence is currently insufficient to determine the role of this variant in disease. Therefore, it has been classified as a Variant of Uncertain Significance.

NM_152416.4(NDUFAF6):c.67C>T (p.Arg23Cys)

Genes: NDUFAF6 (NADH:ubiquinone oxidoreductase complex assembly factor 6; plus strand), LOC113788297 (Sharpr-MPRA regulatory region 2014; plus strand). Cytogenetic location: 8q22.1.
Variant type: single nucleotide variant.
Coding change: c.67C>T on transcript NM_152416.4 (MANE Select); coding-DNA position 67, C replaced by T.
Protein change: p.Arg23Cys; replaces arginine 23 with cysteine.
Molecular consequence: missense variant. On other transcripts: 5 prime UTR variant (12), non-coding transcript variant (6), intron variant (7).
Genome position (GRCh38, 1-based): chr8:95,025,075, C>T. VCF-style: chr8-95025075-C-T. GRCh37 (hg19) VCF-style: chr8-96037303-C-T.
Other names: c.-214C>T (NM_001330582.2, NM_001354521.2); c.-167C>T (NM_001354517.2); c.-386C>T (NM_001354518.2); c.-382C>T (NM_001354519.2); c.-731C>T (NM_001354527.2); c.-702C>T (NM_001354528.2); c.-514C>T (NM_001354529.2); c.-616C>T (NM_001354530.2); and 8 more; short protein forms R23C.
Identifiers: ClinVar variation 2081868 (VCV002081868.4), dbSNP rs776291020, ClinGen allele CA4814675.